The following is an entry in ClinVar:

NM_001330348.2(TBC1D8):c.2667G>A (p.Gly889=)

Gene: TBC1D8 (TBC1 domain family member 8; minus strand). Cytogenetic location: 2q11.2.
Variant type: single nucleotide variant.
Coding change: c.2667G>A on transcript NM_001330348.2 (MANE Select); coding-DNA position 2667, G replaced by A.
Protein change: p.Gly889=; no amino-acid change (glycine 889 retained).
Molecular consequence: synonymous variant. On other transcripts: non-coding transcript variant (1).
Genome position (GRCh38, 1-based): chr2:101,022,375, C>T on the plus strand (G>A on the coding strand, the complement: TBC1D8 is on the minus strand). VCF-style: chr2-101022375-C-T. GRCh37 (hg19) VCF-style: chr2-101638837-C-T.
Other names: c.2622G>A, p.Gly874= (NM_001102426.3).
Identifiers: ClinVar variation 3388461 (VCV003388461.14).

ClinVar aggregate classification (germline): Likely benign (1 of 4 stars; one submission).

gnomAD v4.1: 634 of 1,613,478 alleles (0.039%); highest among the groups gnomAD compares: East Asian, 0.47%; 3 homozygotes.

Submission:

CeGaT Center for Human Genetics Tuebingen
Classification: Likely benign. Last evaluated: 2024-10-01. Review status: criteria provided, single submitter. Criteria: CeGaT Center For Human Genetics Tuebingen Variant Classification Criteria Version 2. Collection method: clinical testing. Allele origin: germline. Affected: yes. Observed: 1 variant allele.
Comment: TBC1D8: BP4, BP7